The following is an entry in ClinVar:

NM_002872.5(RAC2):c.101C>G (p.Pro34Arg)

Gene: RAC2 (Rac family small GTPase 2; minus strand). Cytogenetic location: 22q13.1.
Variant type: single nucleotide variant.
Coding change: c.101C>G on transcript NM_002872.5 (MANE Select); coding-DNA position 101, C replaced by G.
Protein change: p.Pro34Arg; replaces proline 34 with arginine.
Molecular consequence: missense variant.
Genome position (GRCh38, 1-based): chr22:37,241,593, G>C on the plus strand (C>G on the coding strand, the complement: RAC2 is on the minus strand). VCF-style: chr22-37241593-G-C. GRCh37 (hg19) VCF-style: chr22-37637633-G-C.
Other names: c.101C>G (NM_002872.4); short protein forms P34R.
Identifiers: ClinVar variation 2759148 (VCV002759148.4), dbSNP rs1927393826, ClinGen allele CA411443928.

ClinVar aggregate classification (germline): Uncertain significance. Review status: criteria provided, multiple submitters, no conflicts (2 of 4 stars). 2 submissions from 2 submitters: Uncertain significance (2). Last evaluated 2026-05-26.

Conditions:
RAC2-related disorder. Also called: RAC2-related condition.
Neutrophil immunodeficiency syndrome. Also called: Immunodeficiency 73A with defective neutrophil chemotaxis and leukocytosis. Identifiers: Orphanet 183707, MedGen C1842398, MONDO:0011988, OMIM 608203.

Submissions (2):

PreventionGenetics, part of Exact Sciences
Classification: Uncertain significance for RAC2-related condition. Last evaluated: 2026-05-26. Review status: criteria provided, single submitter. Criteria: ACMG Guidelines, 2015. Collection method: clinical testing. Allele origin: germline.
Comment: The RAC2 c.101C>G variant is predicted to result in the amino acid substitution p.Pro34Arg. To our knowledge, this variant has not been reported in the literature or in a large population database (gnomAD), indicating this variant is rare. At this time, the clinical significance of this variant is uncertain due to the absence of conclusive functional and genetic evidence.

Labcorp Genetics (formerly Invitae), Labcorp
Classification: Uncertain significance for Neutrophil immunodeficiency syndrome. Last evaluated: 2023-09-08. Review status: criteria provided, single submitter. Criteria: Invitae Variant Classification Sherloc (09022015). Collection method: clinical testing. Allele origin: germline.
Comment: In summary, the available evidence is currently insufficient to determine the role of this variant in disease. Therefore, it has been classified as a Variant of Uncertain Significance. Advanced modeling of protein sequence and biophysical properties (such as structural, functional, and spatial information, amino acid conservation, physicochemical variation, residue mobility, and thermodynamic stability) performed at Invitae indicates that this missense variant is expected to disrupt RAC2 protein function. This variant has not been reported in the literature in individuals affected with RAC2-related conditions. This variant is not present in population databases (gnomAD no frequency). This sequence change replaces proline, which is neutral and non-polar, with arginine, which is basic and polar, at codon 34 of the RAC2 protein (p.Pro34Arg).